The following is an entry in ClinVar:

NM_005228.5(EGFR):c.1391C>T (p.Ser464Leu)

Gene: EGFR (epidermal growth factor receptor; plus strand). Cytogenetic location: 7p11.2.
Variant type: single nucleotide variant.
Coding change: c.1391C>T on transcript NM_005228.5 (MANE Select); coding-DNA position 1391, C replaced by T.
Protein change: p.Ser464Leu; replaces serine 464 with leucine.
Molecular consequence: missense variant.
Genome position (GRCh38, 1-based): chr7:55,160,231, C>T. VCF-style: chr7-55160231-C-T. GRCh37 (hg19) VCF-style: chr7-55227924-C-T.
Other names: c.1256C>T, p.Ser419Leu (NM_001346897.2, NM_001346899.2); c.1391C>T, p.Ser464Leu (NM_001346898.2, NM_201282.2, NM_201284.2); c.1232C>T, p.Ser411Leu (NM_001346900.2); c.590C>T, p.Ser197Leu (NM_001346941.2); short protein forms S419L, S197L, S464L, S411L.
Identifiers: ClinVar variation 4742257 (VCV004742257.1).

ClinVar aggregate classification (germline): Uncertain significance (1 of 4 stars; one submission).

Conditions:
EGFR-related lung cancer (EGFR). Identifiers: MedGen CN130014.

Submission:

Labcorp Genetics (formerly Invitae), Labcorp
Classification: Uncertain significance for EGFR-related lung cancer. Last evaluated: 2026-01-16. Review status: criteria provided, single submitter. Criteria: Invitae Variant Classification Sherloc (09022015). Collection method: clinical testing. Allele origin: germline.
Comment: This sequence change replaces serine, which is neutral and polar, with leucine, which is neutral and non-polar, at codon 464 of the EGFR protein (p.Ser464Leu). This variant is not present in population databases (gnomAD no frequency). This variant has not been reported in the literature in individuals affected with EGFR-related conditions. Invitae Evidence Modeling of protein sequence and biophysical properties (such as structural, functional, and spatial information, amino acid conservation, physicochemical variation, residue mobility, and thermodynamic stability) indicates that this missense variant is not expected to disrupt EGFR protein function with a negative predictive value of 80%. In summary, the available evidence is currently insufficient to determine the role of this variant in disease. Therefore, it has been classified as a Variant of Uncertain Significance.